The following is an entry in ClinVar:

NM_006939.4(SOS2):c.2231_2232inv (p.Asn744Ser)

Gene: SOS2 (SOS Ras/Rho guanine nucleotide exchange factor 2; minus strand). Cytogenetic location: 14q21.3.
Variant type: Inversion.
Coding change: c.2231_2232inv on transcript NM_006939.4 (MANE Select).
Protein change: p.Asn744Ser; replaces asparagine 744 with serine.
Molecular consequence: missense variant.
Genome position: GRCh38 VCF-style: chr14-50150160-GT-AC. GRCh37 (hg19) VCF-style: chr14-50616878-GT-AC.
Other names: short protein forms N744S.
Identifiers: ClinVar variation 1423413 (VCV001423413.6), ClinGen allele CA2573149967.

ClinVar aggregate classification (germline): Uncertain significance (1 of 4 stars; one submission).

Conditions:
Noonan syndrome 9 (NS9). Identifiers: Orphanet 648, MedGen C4225282, MONDO:0014691, OMIM 616559.

Submission:

Labcorp Genetics (formerly Invitae), Labcorp
Classification: Uncertain significance for Noonan syndrome 9. Last evaluated: 2021-04-23. Review status: criteria provided, single submitter. Criteria: Invitae Variant Classification Sherloc (09022015). Collection method: clinical testing. Allele origin: germline.
Comment: This sequence change replaces asparagine with serine at codon 744 of the SOS2 protein (p.Asn744Ser). The asparagine residue is highly conserved and there is a small physicochemical difference between asparagine and serine. The frequency data for this variant in the population databases is not available, as this variant may be reported as separate entries in the ExAC database. This variant has not been reported in the literature in individuals with SOS2-related conditions. Algorithms developed to predict the effect of missense changes on protein structure and function are either unavailable or do not agree on the potential impact of this missense change (SIFT: "Not Available"; PolyPhen-2: "Benign"; Align-GVGD: "Not Available"). In summary, the available evidence is currently insufficient to determine the role of this variant in disease. Therefore, it has been classified as a Variant of Uncertain Significance.